The following is an entry in ClinVar:

NM_001379200.1(TBX1):c.1036+1G>T

Gene: TBX1 (T-box transcription factor 1; plus strand). Cytogenetic location: 22q11.21.
Variant type: single nucleotide variant.
Coding change: c.1036+1G>T on transcript NM_001379200.1 (MANE Select); the canonical splice donor site of the intron after coding-DNA position 1036, G replaced by T.
Molecular consequence: splice donor variant.
Genome position (GRCh38, 1-based): chr22:19,766,003, G>T. VCF-style: chr22-19766003-G-T. GRCh37 (hg19) VCF-style: chr22-19753526-G-T.
Other names: c.1009+1G>T (NM_005992.1, NM_080646.2, NM_080647.1).
Identifiers: ClinVar variation 4730814 (VCV004730814.1).

ClinVar aggregate classification (germline): Pathogenic (1 of 4 stars; one submission).

Conditions:
DiGeorge syndrome. Also called: THIRD AND FOURTH PHARYNGEAL POUCH SYNDROME; Catch22. Identifiers: Orphanet 567, MedGen C0012236, MONDO:0008564, OMIM 188400.

Submission:

Labcorp Genetics (formerly Invitae), Labcorp
Classification: Pathogenic for DiGeorge syndrome. Last evaluated: 2025-11-09. Review status: criteria provided, single submitter. Criteria: Invitae Variant Classification Sherloc (09022015). Collection method: clinical testing. Allele origin: germline.
Comment: This sequence change affects a donor splice site in intron 8 of the TBX1 gene. While this variant is not anticipated to result in nonsense mediated decay, it likely alters RNA splicing and results in a disrupted protein product. This variant is not present in population databases (gnomAD no frequency). Disruption of this splice site has been observed in individual(s) with clinical features of TBX1-related conditions (PMID: 30137364). Variants that disrupt the consensus splice site are a relatively common cause of aberrant splicing (PMID: 17576681, 9536098). Algorithms developed to predict the effect of sequence changes on RNA splicing suggest that this variant may disrupt the consensus splice site. This variant disrupts a region of the TBX1 protein in which other variant(s) (p.Glu418Phefs*42) have been determined to be pathogenic (PMID: 24637876). This suggests that this is a clinically significant region of the protein, and that variants that disrupt it are likely to be disease-causing. For these reasons, this variant has been classified as Pathogenic.

Literature cited by the submitters: PubMed 30137364; PubMed 17576681; PubMed 9536098; PubMed 24637876.